The following continues an entry in ClinVar:

NM_002524.5(NRAS):c.181C>A (p.Gln61Lys)

Gene: NRAS. ClinVar aggregate classification (germline): Conflicting classifications of pathogenicity. Pathogenic (4); Likely pathogenic (1); Uncertain significance (1). ClinVar aggregate classification (somatic clinical impact): Tier I - Strong. ClinVar aggregate classification (oncogenicity): Oncogenic.

Submissions 9 to 18 of 18:

Institute for Genomic Medicine (IGM) Clinical Laboratory, Nationwide Children's Hospital
Classification: Tier I - Strong for Alveolar rhabdomyosarcoma. Assertion type: diagnostic. Clinical significance: supports diagnosis. Last evaluated: 2023-07-11. Review status: criteria provided, single submitter. Criteria: AMP/ASCO/CAP Guidelines, 2017. Collection method: clinical testing. Allele origin: somatic. Affected: yes.
Comment: Variant has Tier I (strong) clinical significance as a diagnostic inclusion criterion in alveolar rhabdomyosarcoma, based on the following evidence: 1) Documented in one or more cancer databases (e.g., St. Jude Pecan, COSMIC, CIViC, OncoKB). 2) Appears in one or more well-established professional guidelines (e.g., World Health Organization [WHO]; National Comprehensive Cancer Network [NCCN]) as providing diagnostic, prognostic, or therapeutic information. 3) Information in the literature supports potential biologic effect of variant (PMIDs: 22718121, 34117033). 4) Diagnostic for a specific tumor type/classification based on well-powered studies with expert-level consensus (Evidence Level B; PMIDs: 24641407, 24436047, 26138366).

Clinical Laboratory Sciences Program (CLSP), King Saud bin Abdulaziz University for Health Sciences (KSAU-HS)
Classification: Pathogenic for Colorectal cancer. Last evaluated: 2023-01-01. Review status: criteria provided, single submitter. Criteria: ACMG Guidelines, 2015. Collection method: clinical testing. Allele origin: germline. Affected: yes.
Comment: PS3, PM1, PM5, PP3, PM2, PP5

Blueprint Genetics
Classification: Pathogenic for NRAS-related disorders. Last evaluated: 2021-11-12. Review status: criteria provided, single submitter. Criteria: ACMG Guidelines, 2015. Collection method: clinical testing. Allele origin: germline. Affected: yes. Observed: 1 variant allele.

Victorian Clinical Genetics Services, Murdoch Childrens Research Institute
Classification: Pathogenic for Large congenital melanocytic nevus. Last evaluated: 2020-05-21. Review status: criteria provided, single submitter. Criteria: ACMG Guidelines, 2015. Collection method: clinical testing. Allele origin: germline. Inheritance: Autosomal dominant inheritance. Affected: yes.
Comment: A heterozygous missense variant was identified, NM_002524.3(NRAS):c.181C>A in exon 3 of the NRAS gene. This substitution is predicted to create a minor amino acid change from a glutamine to a lysine at position 61 of the protein; NP_002515.1(NRAS):p.(Gln61Lys). The glutamine at this position has very high conservation (100 vertebrates, UCSC), and is located within the switch II region (Cirstea, I. C. et al. (2010)). In silico software predicts this variant to be damaging (PolyPhen2, PROVEAN, MutationAssessor, FATHMM). The variant is not present in the gnomAD population database. This variant has been previously reported as pathogenic in multiple patients with congenital melanocytic naevi (ClinVar, Kinsler, V. A. et al. (2013)). In addition, functional studies show that this variant causes melanocyte survival and growth in the epidermis (Li, A. et al. (2012)). Different variants in the same codon resulting in changes to histidine, leucine, arginine, proline and glutamic acid, have also been reported as pathogenic (ClinVar). Based on information available at the time of curation, this variant has been classified as PATHOGENIC.

CeGaT Center for Human Genetics Tuebingen
Classification: Pathogenic. Last evaluated: 2018-09-01. Review status: criteria provided, single submitter. Criteria: CeGaT Center For Human Genetics Tuebingen Variant Classification Criteria Version 2. Collection method: clinical testing. Allele origin: germline. Affected: yes. Observed: 1 variant allele.

Labcorp Genetics (formerly Invitae), Labcorp
Classification: Uncertain significance for Rasopathy. Last evaluated: 2018-01-29. Review status: criteria provided, single submitter. Criteria: Invitae Variant Classification Sherloc (09022015). Collection method: curation. Allele origin: unknown.
Comment: This sequence change replaces glutamine with lysine at codon 61 of the NRAS protein (p.Gln61Lys). The glutamine residue is highly conserved and there is a small physicochemical difference between glutamine and lysine. This variant is not present in population databases (ExAC no frequency). While this variant has been published in the literature (PMID: 23392294), it has not been reported in the germline of an individual with NRAS-related disease.Â¬â€ ClinVar contains an entry for this variant (Variation ID: 73058). This variant has been reported as a recurrent variant in melanoma tumors (PMID: 23392294), colorectal tumors (PMID: 27050078, 23400451), thyroid tumors (PMID: 28780248), squamous cell lung tumors (PMID: 25348872), neuroblastoma tumors (PMID: 26821351), and gynecological tumors (PMID: 24671188). Experimental studies have shown that this missense change p.Gln61Lys, results in cytoskeletal changes in melanocyte cell lines, reduces apoptosis, and results in hyperpigmented skin in transgenic mice who develop cutaneous metastasizing melanoma (PMID: 22718121, 18668139, 15899789). However, in a thyroid epithelial cell line, this variant alone resulted in zero tumor instances (PMID: 10821536). In zebrafish, expression of human NRAS p.Q61K in melanocytes results in the growth of pigmented lesions that rarely progress to melanoma. (PMID: 24148783). In summary, the available evidence is currently insufficient to determine the role of this variant in disease. Therefore, it has been classified as a Variant of Uncertain Significance.

Oxford Haemato-Oncology Service, Oxford University Hospitals NHS Foundation Trust
Classification: drug response for RAS Inhibitor response. Last evaluated: 2017-11-27. Review status: no assertion criteria provided. Collection method: clinical testing. Allele origin: somatic. Affected: yes. Not counted in ClinVar's aggregate classification.

Yale Center for Mendelian Genomics, Yale University
Classification: Likely pathogenic for Vascular Tumors Including Pyogenic Granuloma. Last evaluated: 2015-02-19. Review status: no assertion criteria provided. Collection method: literature only. Allele origin: somatic. Affected: yes. Observed: 1 heterozygote. Not counted in ClinVar's aggregate classification.

OMIM
Classification: Pathogenic for MELANOCYTIC NEVUS SYNDROME, CONGENITAL, SOMATIC. Last evaluated: 2013-09-01. Review status: no assertion criteria provided. Collection method: literature only. Allele origin: somatic. Not counted in ClinVar's aggregate classification.

OMIM
Classification: Pathogenic for NEUROCUTANEOUS MELANOSIS, SOMATIC. Last evaluated: 2013-09-01. Review status: no assertion criteria provided. Collection method: literature only. Allele origin: somatic. Not counted in ClinVar's aggregate classification.

Literature cited by the submitters: PubMed 20194776 (cited by Institute for Genomic Medicine (IGM) Clinical Laboratory, Nationwide Children's Hospital); PubMed 34117033 (cited by Institute for Genomic Medicine (IGM) Clinical Laboratory, Nationwide Children's Hospital and Center for Genomic Medicine, Rigshospitalet, Copenhagen University Hospital); PubMed 3510078 (cited by Institute for Genomic Medicine (IGM) Clinical Laboratory, Nationwide Children's Hospital); PubMed 16096402 (cited by Institute for Genomic Medicine (IGM) Clinical Laboratory, Nationwide Children's Hospital); PubMed 28186096 (cited by Institute for Genomic Medicine (IGM) Clinical Laboratory, Nationwide Children's Hospital); PubMed 31900433 (cited by Institute for Genomic Medicine (IGM) Clinical Laboratory, Nationwide Children's Hospital); PubMed 32004563 (cited by Institute for Genomic Medicine (IGM) Clinical Laboratory, Nationwide Children's Hospital); PubMed 22718121 (cited by 4 submitters); PubMed 33431353 (cited by Center for Genomic Medicine, Rigshospitalet, Copenhagen University Hospital); PubMed 19681119 (cited by Institute for Genomic Medicine (IGM) Clinical Laboratory, Nationwide Children's Hospital); PubMed 24332040 (cited by Institute for Genomic Medicine (IGM) Clinical Laboratory, Nationwide Children's Hospital); PubMed 24436047 (cited by Institute for Genomic Medicine (IGM) Clinical Laboratory, Nationwide Children's Hospital); PubMed 25768946 (cited by Institute for Genomic Medicine (IGM) Clinical Laboratory, Nationwide Children's Hospital); PubMed 2680062 (cited by Institute for Genomic Medicine (IGM) Clinical Laboratory, Nationwide Children's Hospital); PubMed 34166060 (cited by Institute for Genomic Medicine (IGM) Clinical Laboratory, Nationwide Children's Hospital); PubMed 22589270 (cited by Institute for Genomic Medicine (IGM) Clinical Laboratory, Nationwide Children's Hospital); PubMed 30287508 (cited by Institute for Genomic Medicine (IGM) Clinical Laboratory, Nationwide Children's Hospital); PubMed 23334666 (cited by Institute for Genomic Medicine (IGM) Clinical Laboratory, Nationwide Children's Hospital); PubMed 26121087 (cited by Institute for Genomic Medicine (IGM) Clinical Laboratory, Nationwide Children's Hospital); PubMed 26821351 (cited by Institute for Genomic Medicine (IGM) Clinical Laboratory, Nationwide Children's Hospital and Labcorp Genetics (formerly Invitae), Labcorp); PubMed 27997549 (cited by Institute for Genomic Medicine (IGM) Clinical Laboratory, Nationwide Children's Hospital); PubMed 35689207 (cited by Institute for Genomic Medicine (IGM) Clinical Laboratory, Nationwide Children's Hospital); PubMed 25252692 (cited by Institute for Genomic Medicine (IGM) Clinical Laboratory, Nationwide Children's Hospital); PubMed 28668077 (cited by Institute for Genomic Medicine (IGM) Clinical Laboratory, Nationwide Children's Hospital); PubMed 27391150 (cited by Institute for Genomic Medicine (IGM) Clinical Laboratory, Nationwide Children's Hospital); PubMed 24896186 (cited by Institute for Genomic Medicine (IGM) Clinical Laboratory, Nationwide Children's Hospital); PubMed 29118384 (cited by Institute for Genomic Medicine (IGM) Clinical Laboratory, Nationwide Children's Hospital); PubMed 2105846 (cited by Institute for Genomic Medicine (IGM) Clinical Laboratory, Nationwide Children's Hospital); PubMed 15517309 (cited by Institute for Genomic Medicine (IGM) Clinical Laboratory, Nationwide Children's Hospital); PubMed 25256166 (cited by Institute for Genomic Medicine (IGM) Clinical Laboratory, Nationwide Children's Hospital); PubMed 16462768 (cited by Institute for Genomic Medicine (IGM) Clinical Laboratory, Nationwide Children's Hospital); PubMed 22614978 (cited by Institute for Genomic Medicine (IGM) Clinical Laboratory, Nationwide Children's Hospital); PubMed 28717400 (cited by Institute for Genomic Medicine (IGM) Clinical Laboratory, Nationwide Children's Hospital); PubMed 29156659 (cited by Institute for Genomic Medicine (IGM) Clinical Laboratory, Nationwide Children's Hospital); PubMed 28797232 (cited by Institute for Genomic Medicine (IGM) Clinical Laboratory, Nationwide Children's Hospital); PubMed 34135599 (cited by Institute for Genomic Medicine (IGM) Clinical Laboratory, Nationwide Children's Hospital); PubMed 35672316 (cited by Institute for Genomic Medicine (IGM) Clinical Laboratory, Nationwide Children's Hospital); PubMed 25796376 (cited by Institute for Genomic Medicine (IGM) Clinical Laboratory, Nationwide Children's Hospital); PubMed 32100585 (cited by Institute for Genomic Medicine (IGM) Clinical Laboratory, Nationwide Children's Hospital); PubMed 25534128 (cited by Institute for Genomic Medicine (IGM) Clinical Laboratory, Nationwide Children's Hospital); PubMed 23303902 (cited by Institute for Genomic Medicine (IGM) Clinical Laboratory, Nationwide Children's Hospital); PubMed 23392294 (cited by 4 submitters); PubMed 24641407 (cited by Institute for Genomic Medicine (IGM) Clinical Laboratory, Nationwide Children's Hospital); PubMed 26138366 (cited by Institute for Genomic Medicine (IGM) Clinical Laboratory, Nationwide Children's Hospital); PubMed 19966803 (cited by Victorian Clinical Genetics Services, Murdoch Childrens Research Institute); PubMed 28780248 (cited by Labcorp Genetics (formerly Invitae), Labcorp); PubMed 27050078 (cited by Labcorp Genetics (formerly Invitae), Labcorp); PubMed 15899789 (cited by Labcorp Genetics (formerly Invitae), Labcorp); PubMed 23400451 (cited by Labcorp Genetics (formerly Invitae), Labcorp); PubMed 10821536 (cited by Labcorp Genetics (formerly Invitae), Labcorp); PubMed 25348872 (cited by Labcorp Genetics (formerly Invitae), Labcorp); PubMed 24148783 (cited by Labcorp Genetics (formerly Invitae), Labcorp); PubMed 24671188 (cited by Labcorp Genetics (formerly Invitae), Labcorp); PubMed 18668139 (cited by Labcorp Genetics (formerly Invitae), Labcorp); PubMed 25695684 (cited by Yale Center for Mendelian Genomics, Yale University); PubMed 18633438 (cited by OMIM).